The following is an entry in ClinVar:

NM_000548.5(TSC2):c.1219T>C (p.Tyr407His)

Gene: TSC2 (TSC complex subunit 2; plus strand). Cytogenetic location: 16p13.3.
Variant type: single nucleotide variant.
Coding change: c.1219T>C on transcript NM_000548.5 (MANE Select); coding-DNA position 1219, T replaced by C.
Protein change: p.Tyr407His; replaces tyrosine 407 with histidine.
Molecular consequence: missense variant.
Genome position (GRCh38, 1-based): chr16:2,061,970, T>C. VCF-style: chr16-2061970-T-C. GRCh37 (hg19) VCF-style: chr16-2111971-T-C.
Other names: c.1219T>C, p.Tyr407His (NM_001077183.3, NM_001114382.3, NM_001363528.2 and 6 more transcripts); c.1108T>C, p.Tyr370His (NM_001318827.2, NM_001406670.1, NM_001406678.1); c.1072T>C, p.Tyr358His (NM_001318829.2, NM_001406675.1, NM_001406676.1 and 1 more transcripts); c.619T>C, p.Tyr207His (NM_001318831.2, NM_001406686.1, NM_001406687.1 and 6 more transcripts); c.1252T>C, p.Tyr418His (NM_001318832.2); c.1309T>C, p.Tyr437His (NM_001406667.1, NM_001406668.1); c.1207T>C, p.Tyr403His (NM_001406671.1, NM_001406673.1); c.-126T>C (NM_001406689.1, NM_001406690.1, NM_001406691.1 and 4 more transcripts); and 4 more; short protein forms Y418H, Y388H, Y207H, Y358H, Y370H, Y407H, Y437H, Y253H.
Identifiers: ClinVar variation 1752537 (VCV001752537.3), dbSNP rs45517156, ClinGen allele CA394321109.

ClinVar aggregate classification (germline): Uncertain significance. Review status: criteria provided, multiple submitters, no conflicts (2 of 4 stars). 2 submissions from 2 submitters: Uncertain significance (2). Last evaluated 2025-09-03.

Conditions:
Hereditary cancer-predisposing syndrome. Also called: Neoplastic Syndromes, Hereditary; Tumor predisposition; Hereditary neoplastic syndrome; Hereditary Cancer Syndrome. Identifiers: Orphanet 140162, MedGen C0027672, MeSH D009386, MONDO:0015356.
Tuberous sclerosis 2 (TSC2). Identifiers: Orphanet 805, MedGen C1860707, MONDO:0013199, OMIM 613254.

Submissions (2):

Labcorp Genetics (formerly Invitae), Labcorp
Classification: Uncertain significance for Tuberous sclerosis 2. Last evaluated: 2025-09-03. Review status: criteria provided, single submitter. Criteria: Invitae Variant Classification Sherloc (09022015). Collection method: clinical testing. Allele origin: germline.
Comment: This sequence change replaces tyrosine, which is neutral and polar, with histidine, which is basic and polar, at codon 407 of the TSC2 protein (p.Tyr407His). This variant is not present in population databases (gnomAD no frequency). This variant has not been reported in the literature in individuals affected with TSC2-related conditions. ClinVar contains an entry for this variant (Variation ID: 1752537). Invitae Evidence Modeling of protein sequence and biophysical properties (such as structural, functional, and spatial information, amino acid conservation, physicochemical variation, residue mobility, and thermodynamic stability) indicates that this missense variant is not expected to disrupt TSC2 protein function with a negative predictive value of 95%. In summary, the available evidence is currently insufficient to determine the role of this variant in disease. Therefore, it has been classified as a Variant of Uncertain Significance.

Ambry Genetics
Classification: Uncertain significance for Hereditary cancer-predisposing syndrome. Last evaluated: 2022-08-24. Review status: criteria provided, single submitter. Criteria: Ambry Variant Classification Scheme 2023. Collection method: clinical testing. Allele origin: germline.
Comment: The p.Y407H variant (also known as c.1219T>C), located in coding exon 11 of the TSC2 gene, results from a T to C substitution at nucleotide position 1219. The tyrosine at codon 407 is replaced by histidine, an amino acid with similar properties. This amino acid position is conserved. In addition, the in silico prediction for this alteration is inconclusive. Since supporting evidence is limited at this time, the clinical significance of this alteration remains unclear.